The following is an entry in ClinVar:

ClinVar aggregate classification (germline): Uncertain significance. Review status: criteria provided, multiple submitters, no conflicts (2 of 4 stars). 4 submissions from 4 submitters: Uncertain significance (4). Last evaluated 2025-11-10.

Conditions:
Familial cancer of breast. Also called: BREAST CANCER, FAMILIAL; hereditary breast carcinoma; Hereditary breast cancer. Identifiers: Orphanet 227535, MedGen C0346153, MONDO:0016419, OMIM 114480. Disease mechanism: loss of function.
Hereditary cancer-predisposing syndrome. Also called: Neoplastic Syndromes, Hereditary; Tumor predisposition; Hereditary Cancer Syndrome; Hereditary neoplastic syndrome. Identifiers: Orphanet 140162, MedGen C0027672, MeSH D009386, MONDO:0015356.

Allele frequency attached by ClinVar (database versions not stated): gnomAD exomes below 0.00001.

Submissions (4):

Labcorp Genetics (formerly Invitae), Labcorp
Classification: Uncertain significance for Familial cancer of breast. Last evaluated: 2025-11-10. Review status: criteria provided, single submitter. Criteria: Invitae Variant Classification Sherloc (09022015). Collection method: clinical testing. Allele origin: germline.
Comment: This sequence change replaces arginine, which is basic and polar, with tryptophan, which is neutral and slightly polar, at codon 5 of the BARD1 protein (p.Arg5Trp). This variant is not present in population databases (gnomAD no frequency). This variant has not been reported in the literature in individuals affected with BARD1-related conditions. ClinVar contains an entry for this variant (Variation ID: 460705). An algorithm developed to predict the effect of missense changes on protein structure and function (PolyPhen-2) suggests that this variant is likely to be tolerated. In summary, the available evidence is currently insufficient to determine the role of this variant in disease. Therefore, it has been classified as a Variant of Uncertain Significance.

Color Diagnostics, LLC DBA Color Health
Classification: Uncertain significance for Hereditary cancer-predisposing syndrome. Last evaluated: 2023-05-23. Review status: criteria provided, single submitter. Criteria: ACMG Guidelines, 2015. Collection method: clinical testing. Allele origin: germline.
Comment: This missense variant replaces arginine with tryptophan at codon 5 of the BARD1 protein. Computational prediction suggests that this variant may not impact protein structure and function (internally defined REVEL score threshold <= 0.5, PMID: 27666373). To our knowledge, functional studies have not been reported for this variant. This variant has not been reported in individuals affected with BARD1-related disorders in the literature. This variant has not been identified in the general population by the Genome Aggregation Database (gnomAD). The available evidence is insufficient to determine the role of this variant in disease conclusively. Therefore, this variant is classified as a Variant of Uncertain Significance.

Ambry Genetics
Classification: Uncertain significance for Hereditary cancer-predisposing syndrome. Last evaluated: 2022-04-14. Review status: criteria provided, single submitter. Criteria: Ambry Variant Classification Scheme 2023. Collection method: clinical testing. Allele origin: germline.
Comment: The p.R5W variant (also known as c.13C>T), located in coding exon 1 of the BARD1 gene, results from a C to T substitution at nucleotide position 13. The arginine at codon 5 is replaced by tryptophan, an amino acid with dissimilar properties. This amino acid position is not conserved on limited sequence alignment. In addition, the in silico prediction for this alteration is inconclusive. Since supporting evidence is limited at this time, the clinical significance of this alteration remains unclear.

MGZ Medical Genetics Center
Classification: Uncertain significance for Familial cancer of breast. Last evaluated: 2021-11-29. Review status: criteria provided, single submitter. Criteria: ACMG Guidelines, 2015. Collection method: clinical testing. Allele origin: germline. Affected: yes. Observed: 1 variant allele.
Comment: ACMG criteria applied: PM2_SUP, BP4

NM_000465.4(BARD1):c.13C>T (p.Arg5Trp)

Gene: BARD1 (BRCA1 associated RING domain 1; minus strand). Cytogenetic location: 2q35.
Variant type: single nucleotide variant.
Coding change: c.13C>T on transcript NM_000465.4 (MANE Select); coding-DNA position 13, C replaced by T.
Protein change: p.Arg5Trp; replaces arginine 5 with tryptophan.
Molecular consequence: missense variant. On other transcripts: non-coding transcript variant (3).
Genome position (GRCh38, 1-based): chr2:214,809,557, G>A on the plus strand (C>T on the coding strand, the complement: BARD1 is on the minus strand). VCF-style: chr2-214809557-G-A. GRCh37 (hg19) VCF-style: chr2-215674281-G-A.
Other names: c.13C>T (NM_000465.2); c.13C>T, p.Arg5Trp (NM_001282543.2, NM_001282545.2, NM_001282548.2 and 1 more transcripts); short protein forms R5W.
Identifiers: ClinVar variation 460705 (VCV000460705.19), dbSNP rs766441081, ClinGen allele CA350465476.